The following is an entry in ClinVar:

NM_000186.4(CFH):c.3332C>T (p.Pro1111Leu)

Gene: CFH (complement factor H; plus strand). Cytogenetic location: 1q31.3.
Variant type: single nucleotide variant.
Coding change: c.3332C>T on transcript NM_000186.4 (MANE Select); coding-DNA position 3332, C replaced by T.
Protein change: p.Pro1111Leu; replaces proline 1111 with leucine.
Molecular consequence: missense variant.
Genome position (GRCh38, 1-based): chr1:196,745,838, C>T. VCF-style: chr1-196745838-C-T. GRCh37 (hg19) VCF-style: chr1-196714968-C-T.
Other names: short protein forms P1111L.
Identifiers: ClinVar variation 2180650 (VCV002180650.4), dbSNP rs1422149838, ClinGen allele CA343984979.

ClinVar aggregate classification (germline): Uncertain significance (1 of 4 stars; one submission).

Allele frequency attached by ClinVar (database versions not stated): gnomAD 0.00001; gnomAD exomes 0.00002.
gnomAD v4.1: 26 of 1,613,828 alleles (0.0016%); highest among the groups gnomAD compares: Non-Finnish European, 0.0021%; no homozygotes.

Submission:

Labcorp Genetics (formerly Invitae), Labcorp
Classification: Uncertain significance. Last evaluated: 2025-06-12. Review status: criteria provided, single submitter. Criteria: Invitae Variant Classification Sherloc (09022015). Collection method: clinical testing. Allele origin: germline.
Comment: This sequence change replaces proline, which is neutral and non-polar, with leucine, which is neutral and non-polar, at codon 1111 of the CFH protein (p.Pro1111Leu). This variant is present in population databases (no rsID available, gnomAD 0.002%). This variant has not been reported in the literature in individuals affected with CFH-related conditions. ClinVar contains an entry for this variant (Variation ID: 2180650). An algorithm developed to predict the effect of missense changes on protein structure and function (PolyPhen-2) suggests that this variant is likely to be disruptive. In summary, the available evidence is currently insufficient to determine the role of this variant in disease. Therefore, it has been classified as a Variant of Uncertain Significance.